The following is an entry in ClinVar:

NM_000057.4(BLM):c.702T>G (p.Asp234Glu)

Gene: BLM (BLM RecQ like helicase; plus strand). Cytogenetic location: 15q26.1.
Variant type: single nucleotide variant.
Coding change: c.702T>G on transcript NM_000057.4 (MANE Select); coding-DNA position 702, T replaced by G.
Protein change: p.Asp234Glu; replaces aspartic acid 234 with glutamic acid.
Molecular consequence: missense variant. On other transcripts: 5 prime UTR variant (1).
Genome position (GRCh38, 1-based): chr15:90,749,970, T>G. VCF-style: chr15-90749970-T-G. GRCh37 (hg19) VCF-style: chr15-91293200-T-G.
Other names: c.702T>G, p.Asp234Glu (NM_001287246.2, NM_001287247.2); c.-590T>G (NM_001287248.2); c.702T>G (NM_000057.2); short protein forms D234E.
Identifiers: ClinVar variation 959499 (VCV000959499.11), dbSNP rs1271054585, ClinGen allele CA393841377.
Genomic context (GRCh38, chr15:90,749,970, plus strand): 5'-AAGCGAGCAAATAGATTTGACTGAGGAACAGAAGGATGACTCAGAATGGTTAAGCAGCGA[T>G]GTGATTTGCATCGATGATGGCCCCATTGCTGAAGTGCATATAAATGAAGATGCTCAGGAA-3'
Protein context (NP_000048.1, residues 224-244): QKDDSEWLSS[Asp234Glu]VICIDDGPIA

ClinVar aggregate classification (germline): Uncertain significance. Review status: criteria provided, multiple submitters, no conflicts (2 of 4 stars). 2 submissions from 2 submitters: Uncertain significance (2). Last evaluated 2026-02-26.

Conditions:
Hereditary cancer-predisposing syndrome. Also called: Tumor predisposition; Hereditary neoplastic syndrome; Hereditary Cancer Syndrome; Neoplastic Syndromes, Hereditary. Identifiers: Orphanet 140162, MedGen C0027672, MeSH D009386, MONDO:0015356.
Bloom syndrome (BLM). Also called: Bloom-Torre-Machacek syndrome. Identifiers: Orphanet 125, MedGen C0005859, MONDO:0008876, OMIM 210900.

Submissions (2):

Ambry Genetics
Classification: Uncertain significance for Hereditary cancer-predisposing syndrome. Last evaluated: 2026-02-26. Review status: criteria provided, single submitter. Criteria: Ambry Variant Classification Scheme 2023. Collection method: clinical testing. Allele origin: germline.
Comment: The p.D234E variant (also known as c.702T>G), located in coding exon 2 of the BLM gene, results from a T to G substitution at nucleotide position 702. The aspartic acid at codon 234 is replaced by glutamic acid, an amino acid with highly similar properties. This amino acid position is conserved. In addition, this alteration is predicted to be tolerated by in silico analysis. Based on the available evidence, the clinical significance of this variant remains unclear.

Labcorp Genetics (formerly Invitae), Labcorp
Classification: Uncertain significance for Bloom syndrome. Last evaluated: 2022-11-13. Review status: criteria provided, single submitter. Criteria: Invitae Variant Classification Sherloc (09022015). Collection method: clinical testing. Allele origin: germline.
Comment: This variant has not been reported in the literature in individuals affected with BLM-related conditions. ClinVar contains an entry for this variant (Variation ID: 959499). Algorithms developed to predict the effect of missense changes on protein structure and function (SIFT, PolyPhen-2, Align-GVGD) all suggest that this variant is likely to be tolerated. In summary, the available evidence is currently insufficient to determine the role of this variant in disease. Therefore, it has been classified as a Variant of Uncertain Significance. This variant is not present in population databases (gnomAD no frequency). This sequence change replaces aspartic acid, which is acidic and polar, with glutamic acid, which is acidic and polar, at codon 234 of the BLM protein (p.Asp234Glu).